The following is an entry in ClinVar:

NM_002691.4(POLD1):c.2626A>T (p.Ile876Phe)

Gene: POLD1 (DNA polymerase delta 1, catalytic subunit; plus strand). Cytogenetic location: 19q13.33.
Variant type: single nucleotide variant.
Coding change: c.2626A>T on transcript NM_002691.4 (MANE Select); coding-DNA position 2626, A replaced by T.
Protein change: p.Ile876Phe; replaces isoleucine 876 with phenylalanine.
Molecular consequence: missense variant. On other transcripts: non-coding transcript variant (1).
Genome position (GRCh38, 1-based): chr19:50,415,499, A>T. VCF-style: chr19-50415499-A-T. GRCh37 (hg19) VCF-style: chr19-50918756-A-T.
Other names: c.2626A>T, p.Ile876Phe (NM_001256849.1); c.2704A>T, p.Ile902Phe (NM_001308632.1); short protein forms I876F, I902F.
Identifiers: ClinVar variation 3651555 (VCV003651555.2).
Genomic context (GRCh38, chr19:50,415,499, plus strand): 5'-GACCCTGAGGGCGCGGTGGCTCACGCACAGGACGTCATCTCGGACCTGCTGTGCAACCGC[A>T]TCGATATCTCCCAGCTGGTCATCACCAAGGAGCTGACCCGCGCGGCCTCCGACTATGCCG-3'
Protein context (NP_002682.2, residues 866-886): DVISDLLCNR[Ile876Phe]DISQLVITKE

ClinVar aggregate classification (germline): Uncertain significance (1 of 4 stars; one submission).

Conditions:
POLD1-related polyposis and colorectal cancer syndrome (CRCS10). Also called: Colorectal cancer 10; COLORECTAL CANCER, SUSCEPTIBILITY TO, ON CHROMOSOME 19q; Colorectal cancer, susceptibility to, 10. Identifiers: Orphanet 220460, MedGen C2675481, MONDO:0012953, OMIM 612591.

Submission:

Labcorp Genetics (formerly Invitae), Labcorp
Classification: Uncertain significance for POLD1-related polyposis and colorectal cancer syndrome. Last evaluated: 2025-01-01. Review status: criteria provided, single submitter. Criteria: Invitae Variant Classification Sherloc (09022015). Collection method: clinical testing. Allele origin: germline.
Comment: This sequence change replaces isoleucine, which is neutral and non-polar, with phenylalanine, which is neutral and non-polar, at codon 876 of the POLD1 protein (p.Ile876Phe). This variant is not present in population databases (gnomAD no frequency). This variant has not been reported in the literature in individuals affected with POLD1-related conditions. Invitae Evidence Modeling of protein sequence and biophysical properties (such as structural, functional, and spatial information, amino acid conservation, physicochemical variation, residue mobility, and thermodynamic stability) indicates that this missense variant is not expected to disrupt POLD1 protein function with a negative predictive value of 80%. In summary, the available evidence is currently insufficient to determine the role of this variant in disease. Therefore, it has been classified as a Variant of Uncertain Significance.